The following is an entry in ClinVar:

ClinVar aggregate classification (germline): Likely benign (1 of 4 stars; one submission).

gnomAD v4.1: 823 of 1,614,040 alleles (0.051%); highest among the groups gnomAD compares: Non-Finnish European, 0.065%; no homozygotes.

Submission:

CeGaT Center for Human Genetics Tuebingen
Classification: Likely benign. Last evaluated: 2025-04-01. Review status: criteria provided, single submitter. Criteria: CeGaT Center For Human Genetics Tuebingen Variant Classification Criteria Version 2. Collection method: clinical testing. Allele origin: germline. Affected: yes. Observed: 1 variant allele.
Comment: ACACB: PP2, BS2

NM_001093.4(ACACB):c.1709A>G (p.Tyr570Cys)

Gene: ACACB (acetyl-CoA carboxylase beta; plus strand). Cytogenetic location: 12q24.11.
Variant type: single nucleotide variant.
Coding change: c.1709A>G on transcript NM_001093.4 (MANE Select); coding-DNA position 1709, A replaced by G.
Protein change: p.Tyr570Cys; replaces tyrosine 570 with cysteine.
Molecular consequence: missense variant.
Genome position (GRCh38, 1-based): chr12:109,179,978, A>G. VCF-style: chr12-109179978-A-G. GRCh37 (hg19) VCF-style: chr12-109617783-A-G.
Other names: c.1709A>G, p.Tyr570Cys (NM_001412734.1, NM_001412735.1); c.1103A>G, p.Tyr368Cys (NM_001412736.1, NM_001412738.1, NM_001412739.1 and 2 more transcripts); c.1082A>G, p.Tyr361Cys (NM_001412737.1); short protein forms Y361C, Y368C, Y570C.
Identifiers: ClinVar variation 3898217 (VCV003898217.7).